The following is an entry in ClinVar:

ClinVar aggregate classification (germline): Uncertain significance. Review status: criteria provided, multiple submitters, no conflicts (2 of 4 stars). 2 submissions from 2 submitters: Uncertain significance (2). Last evaluated 2026-08-05.

Conditions:
Adams-Oliver syndrome 5 (AOS5). Identifiers: Orphanet 974, MedGen C4014970, MONDO:0014459, OMIM 616028.

gnomAD v4.1: 3 of 1,612,784 alleles (0.00019%); highest among the groups gnomAD compares: Non-Finnish European, 0.00017%; no homozygotes.

Submissions (2):

GeneDx
Classification: Uncertain significance. Last evaluated: 2026-08-05. Review status: criteria provided, single submitter. Criteria: GeneDx Variant Classification Process June 2021. Collection method: clinical testing. Allele origin: germline.
Comment: Not observed at significant frequency in large population cohorts (gnomAD); In silico analysis supports that this missense variant has a deleterious effect on protein structure/function; Has not been previously published as pathogenic or benign to our knowledge

Labcorp Genetics (formerly Invitae), Labcorp
Classification: Uncertain significance for Adams-Oliver syndrome 5. Last evaluated: 2025-12-16. Review status: criteria provided, single submitter. Criteria: Invitae Variant Classification Sherloc (09022015). Collection method: clinical testing. Allele origin: germline.
Comment: This sequence change replaces asparagine, which is neutral and polar, with serine, which is neutral and polar, at codon 335 of the NOTCH1 protein (p.Asn335Ser). This variant is not present in population databases (gnomAD no frequency). This variant has not been reported in the literature in individuals affected with NOTCH1-related conditions. ClinVar contains an entry for this variant (Variation ID: 3381374). An algorithm developed to predict the effect of missense changes on protein structure and function (PolyPhen-2) suggests that this variant is likely to be disruptive. In summary, the available evidence is currently insufficient to determine the role of this variant in disease. Therefore, it has been classified as a Variant of Uncertain Significance.

NM_017617.5(NOTCH1):c.1004A>G (p.Asn335Ser)

Gene: NOTCH1 (notch receptor 1; minus strand). Cytogenetic location: 9q34.3.
Variant type: single nucleotide variant.
Coding change: c.1004A>G on transcript NM_017617.5 (MANE Select); coding-DNA position 1004, A replaced by G.
Protein change: p.Asn335Ser; replaces asparagine 335 with serine.
Molecular consequence: missense variant.
Genome position (GRCh38, 1-based): chr9:136,518,686, T>C on the plus strand (A>G on the coding strand, the complement: NOTCH1 is on the minus strand). VCF-style: chr9-136518686-T-C. GRCh37 (hg19) VCF-style: chr9-139413138-T-C.
Other names: short protein forms N335S.
Identifiers: ClinVar variation 3381374 (VCV003381374.4).